The following is an entry in ClinVar:

ClinVar aggregate classification (germline): Uncertain significance (1 of 4 stars; one submission).

Conditions:
Mucopolysaccharidosis, MPS-III-B (MPS3B). Also called: N-ACETYL-ALPHA-D-GLUCOSAMINIDASE DEFICIENCY; NAGLU DEFICIENCY; SANFILIPPO SYNDROME B; MPS III B; MPS IIIB (Sanfilippo Syndrome Type B); MUCOPOLYSACCHARIDOSIS, TYPE IIIB. Identifiers: Orphanet 79270, MedGen C0086648, MONDO:0009656, OMIM 252920.
Charcot-Marie-Tooth disease axonal type 2V. Also called: CHARCOT-MARIE-TOOTH NEUROPATHY, TYPE 2V; CHARCOT-MARIE-TOOTH DISEASE, AXONAL, AUTOSOMAL DOMINANT, TYPE 2V. Identifiers: Orphanet 447964, MedGen C5569050, MONDO:0014665, OMIM 616491.

Submission:

Labcorp Genetics (formerly Invitae), Labcorp
Classification: Uncertain significance for Charcot-Marie-Tooth disease axonal type 2V; Mucopolysaccharidosis, MPS-III-B. Last evaluated: 2023-11-27. Review status: criteria provided, single submitter. Criteria: Invitae Variant Classification Sherloc (09022015). Collection method: clinical testing. Allele origin: germline.
Comment: This sequence change replaces phenylalanine, which is neutral and non-polar, with leucine, which is neutral and non-polar, at codon 708 of the NAGLU protein (p.Phe708Leu). This variant is not present in population databases (gnomAD no frequency). This variant has not been reported in the literature in individuals affected with NAGLU-related conditions. ClinVar contains an entry for this variant (Variation ID: 1471710). Advanced modeling of protein sequence and biophysical properties (such as structural, functional, and spatial information, amino acid conservation, physicochemical variation, residue mobility, and thermodynamic stability) performed at Invitae indicates that this missense variant is expected to disrupt NAGLU protein function with a positive predictive value of 95%. In summary, the available evidence is currently insufficient to determine the role of this variant in disease. Therefore, it has been classified as a Variant of Uncertain Significance.

NM_000263.4(NAGLU):c.2124C>G (p.Phe708Leu)

Gene: NAGLU (N-acetyl-alpha-glucosaminidase; plus strand). Cytogenetic location: 17q21.2.
Variant type: single nucleotide variant.
Coding change: c.2124C>G on transcript NM_000263.4 (MANE Select); coding-DNA position 2124, C replaced by G.
Protein change: p.Phe708Leu; replaces phenylalanine 708 with leucine.
Molecular consequence: missense variant.
Genome position (GRCh38, 1-based): chr17:42,544,130, C>G. VCF-style: chr17-42544130-C-G. GRCh37 (hg19) VCF-style: chr17-40696148-C-G.
Other names: short protein forms F708L.
Identifiers: ClinVar variation 1471710 (VCV001471710.8), dbSNP rs139195906, ClinGen allele CA399606214.
Genomic context (GRCh38, chr17:42,544,130, plus strand): 5'-GGGCATCCCTTTCCAACAGCACCAGTTTGACAAAAATGTCTTCCAACTGGAGCAGGCCTT[C>G]GTTCTCAGCAAGCAGAGGTACCCCAGCCAGCCGCGAGGAGACACTGTGGACCTGGCCAAG-3'
Protein context (NP_000254.2, residues 698-718): DKNVFQLEQA[Phe708Leu]VLSKQRYPSQ